The following is an entry in ClinVar:

ClinVar aggregate classification (germline): Uncertain significance (1 of 4 stars; one submission).

Conditions:
Brown-Vialetto-van Laere syndrome 2. Also called: SPINOCEREBELLAR ATAXIA WITH BLINDNESS AND DEAFNESS 2; Riboflavin transporter deficiency type 2. Identifiers: Orphanet 572543, Orphanet 97229, MedGen C3553538, MONDO:0013867, OMIM 614707.

Submission:

Labcorp Genetics (formerly Invitae), Labcorp
Classification: Uncertain significance for Brown-Vialetto-van Laere syndrome 2. Last evaluated: 2022-02-09. Review status: criteria provided, single submitter. Criteria: Invitae Variant Classification Sherloc (09022015). Collection method: clinical testing. Allele origin: germline.
Comment: This sequence change replaces methionine, which is neutral and non-polar, with lysine, which is basic and polar, at codon 21 of the SLC52A2 protein (p.Met21Lys). In summary, the available evidence is currently insufficient to determine the role of this variant in disease. Therefore, it has been classified as a Variant of Uncertain Significance. Algorithms developed to predict the effect of sequence changes on RNA splicing suggest that this variant may create or strengthen a splice site. Advanced modeling of protein sequence and biophysical properties (such as structural, functional, and spatial information, amino acid conservation, physicochemical variation, residue mobility, and thermodynamic stability) performed at Invitae indicates that this missense variant is expected to disrupt SLC52A2 protein function. This variant has not been reported in the literature in individuals affected with SLC52A2-related conditions. This variant is not present in population databases (gnomAD no frequency).

NM_001363118.2(SLC52A2):c.62T>A (p.Met21Lys)

Gene: SLC52A2 (solute carrier family 52 member 2; plus strand). Cytogenetic location: 8q24.3.
Variant type: single nucleotide variant.
Coding change: c.62T>A on transcript NM_001363118.2 (MANE Select); coding-DNA position 62, T replaced by A.
Protein change: p.Met21Lys; replaces methionine 21 with lysine.
Molecular consequence: missense variant.
Genome position (GRCh38, 1-based): chr8:144,359,355, T>A. VCF-style: chr8-144359355-T-A. GRCh37 (hg19) VCF-style: chr8-145583015-T-A.
Other names: c.62T>A, p.Met21Lys (NM_001253815.2, NM_001253816.2, NM_001363120.2 and 3 more transcripts); short protein forms M21K.
Identifiers: ClinVar variation 2120913 (VCV002120913.4), dbSNP rs2489035359, ClinGen allele CA372625699.
Genomic context (GRCh38, chr8:144,359,355, plus strand): 5'-TGGCAGCACCCACGCCCGCCCGTCCGGTGCTGACCCACCTGCTGGTGGCTCTCTTCGGCA[T>A]GGGCTCCTGGGCTGCGGTCAATGGGATCTGGGTGGAGCTACCTGTGGTGGTCAAAGAGCT-3'
Protein context (NP_001350047.1, residues 11-31): LTHLLVALFG[Met21Lys]GSWAAVNGIW